The following is an entry in ClinVar:

ClinVar aggregate classification (germline): Likely pathogenic (0 of 4 stars; one submission).

Conditions:
Breast carcinoma. Also called: Carcinoma of breast. Identifiers: MedGen C0678222, MONDO:0004989, HP:0003002.

Submission:

Medical Genetics Laboratory, Umraniye Training and Research Hospital, University of Health Sciences
Classification: Likely pathogenic for Breast carcinoma. Last evaluated: 2021-08-07. Review status: no assertion criteria provided. Collection method: clinical testing. Allele origin: germline. Affected: yes. Observed: 1 variant allele, 1 heterozygote.
Comment: Diagnosis: Breast cancer Pathology: Invasive Ductal Carcinoma IHC: ER:+, PR:+, HER2:-, KI67:%5

NM_024675.4(PALB2):c.3070del (p.Glu1024fs)

Gene: PALB2 (partner and localizer of BRCA2; minus strand). Cytogenetic location: 16p12.2.
Variant type: Deletion.
Coding change: c.3070del on transcript NM_024675.4 (MANE Select); coding-DNA position 3070, one base deleted (G; older notation c.3070delG).
Protein change: p.Glu1024fs; shifts the reading frame from glutamic acid 1024.
Molecular consequence: frameshift variant.
Genome position (GRCh38, 1-based): chr16:23,621,405, C deleted on the plus strand (G on the coding strand, the reverse complement: PALB2 is on the minus strand). VCF-style (leftmost placement, unchanged base first): chr16-23621404-TC-T. GRCh37 (hg19) VCF-style: chr16-23632725-TC-T.
Other names: short protein forms E1024fs.
Identifiers: ClinVar variation 1192523 (VCV001192523.1), dbSNP rs2142326815, ClinGen allele CA2499223411.
Genomic context (GRCh38, chr16:23,621,404, plus strand): 5'-CCTAGAGGGAAAGCTTACCAAATAACAATGTTGTTCATAATAGTAGTACCAAGCAGAGCT[TC>T]TTGCATCCCTTGGACCTCAGCAAAAGTTAGTATAGTCTCCTCAGGGGGCATCAAAAATTG-3'